The following is an entry in ClinVar:

NM_001130823.3(DNMT1):c.470C>T (p.Ala157Val)

Gene: DNMT1 (DNA methyltransferase 1; minus strand). Cytogenetic location: 19p13.2.
Variant type: single nucleotide variant.
Coding change: c.470C>T on transcript NM_001130823.3 (MANE Select); coding-DNA position 470, C replaced by T.
Protein change: p.Ala157Val; replaces alanine 157 with valine.
Molecular consequence: missense variant. On other transcripts: intron variant (2).
Genome position (GRCh38, 1-based): chr19:10,180,210, G>A on the plus strand (C>T on the coding strand, the complement: DNMT1 is on the minus strand). VCF-style: chr19-10180210-G-A. GRCh37 (hg19) VCF-style: chr19-10290886-G-A.
Other names: c.107C>T, p.Ala36Val (NM_001318731.2); c.445+140C>T (NM_001379.4, NM_001318730.2); short protein forms A36V, A157V.
Identifiers: ClinVar variation 939741 (VCV000939741.9), dbSNP rs754419505, ClinGen allele CA9188736.

ClinVar aggregate classification (germline): Uncertain significance (1 of 4 stars; one submission).

Conditions:
Hereditary sensory neuropathy-deafness-dementia syndrome. Also called: NEUROPATHY, HEREDITARY SENSORY, WITH HEARING LOSS AND DEMENTIA; HSN IE; Hereditary sensory neuropathy type IE; Hereditary Sensory and Autonomic Neuropathy Type 1E (HSAN1E). Identifiers: Orphanet 456318, MedGen C3279885, MONDO:0013584, OMIM 614116.

Allele frequency attached by ClinVar (database versions not stated): ExAC below 0.00001; gnomAD exomes 0.00002.
gnomAD v4.1: 13 of 1,001,626 alleles (0.0013%); highest among the groups gnomAD compares: East Asian, 0.034%; no homozygotes.

Submission:

Labcorp Genetics (formerly Invitae), Labcorp
Classification: Uncertain significance for Hereditary sensory neuropathy-deafness-dementia syndrome. Last evaluated: 2025-12-23. Review status: criteria provided, single submitter. Criteria: Invitae Variant Classification Sherloc (09022015). Collection method: clinical testing. Allele origin: germline.
Comment: This sequence change replaces alanine, which is neutral and non-polar, with valine, which is neutral and non-polar, at codon 157 of the DNMT1 protein (p.Ala157Val). This variant is present in population databases (rs754419505, gnomAD 0.03%). This variant has not been reported in the literature in individuals affected with DNMT1-related conditions. ClinVar contains an entry for this variant (Variation ID: 939741). An algorithm developed to predict the effect of missense changes on protein structure and function outputs the following: PolyPhen-2: "Benign". The valine amino acid residue is found in multiple mammalian species, which suggests that this missense change does not adversely affect protein function. In summary, the available evidence is currently insufficient to determine the role of this variant in disease. Therefore, it has been classified as a Variant of Uncertain Significance.